The following is an entry in ClinVar:

ClinVar aggregate classification (germline): Uncertain significance (1 of 4 stars; one submission).

Conditions:
Cardiovascular phenotype. Identifiers: MedGen CN230736.

Allele frequency attached by ClinVar (database versions not stated): gnomAD exomes below 0.00001; TOPMed below 0.00001; ExAC 0.00001; gnomAD 0.00001.
gnomAD v4.1: 3 of 1,613,922 alleles (0.00019%); highest among the groups gnomAD compares: Non-Finnish European, 0.00025%; no homozygotes.

Submission:

Ambry Genetics
Classification: Uncertain significance for Cardiovascular phenotype. Last evaluated: 2023-01-05. Review status: criteria provided, single submitter. Criteria: Ambry Variant Classification Scheme 2023. Collection method: clinical testing. Allele origin: germline.
Comment: The p.S1809R variant (also known as c.5427C>A), located in coding exon 38 of the LAMA4 gene, results from a C to A substitution at nucleotide position 5427. The serine at codon 1809 is replaced by arginine, an amino acid with dissimilar properties. This amino acid position is conserved. In addition, this alteration is predicted to be deleterious by in silico analysis. Since supporting evidence is limited at this time, the clinical significance of this alteration remains unclear.

NM_001105206.3(LAMA4):c.5448C>A (p.Ser1816Arg)

Gene: LAMA4 (laminin subunit alpha 4; minus strand). Cytogenetic location: 6q21.
Variant type: single nucleotide variant.
Coding change: c.5448C>A on transcript NM_001105206.3 (MANE Select); coding-DNA position 5448, C replaced by A.
Protein change: p.Ser1816Arg; replaces serine 1816 with arginine.
Molecular consequence: missense variant.
Genome position (GRCh38, 1-based): chr6:112,109,461, G>T on the plus strand (C>A on the coding strand, the complement: LAMA4 is on the minus strand). VCF-style: chr6-112109461-G-T. GRCh37 (hg19) VCF-style: chr6-112430664-G-T.
Other names: c.5427C>A, p.Ser1809Arg (NM_001105207.3, NM_002290.5); short protein forms S1809R, S1816R.
Identifiers: ClinVar variation 2447559 (VCV002447559.2), dbSNP rs782574592, ClinGen allele CA3964713.
Genomic context (GRCh38, chr6:112,109,461, plus strand): 5'-AAGAACTTTGTATTTGGGCAGCTGTGCTCTGTCATGTCAGGCTGCTGGACAGGAGTTGAT[G>T]CTTACGGCGCCGCTGACCAGGGCTGCTTTACTGAAGCTCACTGGGTGTCCATCAATCACA-3'
Protein context (NP_001098676.2, residues 1806-1823): SKAALVSGAV[Ser1816Arg]INSCPAA